The following is an entry in ClinVar:

ClinVar aggregate classification (germline): Uncertain significance (1 of 4 stars; one submission).

Conditions:
Noonan syndrome 9 (NS9). Identifiers: Orphanet 648, MedGen C4225282, MONDO:0014691, OMIM 616559.

Submission:

Labcorp Genetics (formerly Invitae), Labcorp
Classification: Uncertain significance for Noonan syndrome 9. Last evaluated: 2025-04-09. Review status: criteria provided, single submitter. Criteria: Invitae Variant Classification Sherloc (09022015). Collection method: clinical testing. Allele origin: germline.
Comment: This sequence change replaces aspartic acid, which is acidic and polar, with glutamic acid, which is acidic and polar, at codon 518 of the SOS2 protein (p.Asp518Glu). This variant is present in population databases (rs771506975, gnomAD 0.0009%). This variant has not been reported in the literature in individuals affected with SOS2-related conditions. Invitae Evidence Modeling of protein sequence and biophysical properties (such as structural, functional, and spatial information, amino acid conservation, physicochemical variation, residue mobility, and thermodynamic stability) indicates that this missense variant is not expected to disrupt SOS2 protein function with a negative predictive value of 95%. In summary, the available evidence is currently insufficient to determine the role of this variant in disease. Therefore, it has been classified as a Variant of Uncertain Significance.

NM_006939.4(SOS2):c.1554T>A (p.Asp518Glu)

Gene: SOS2 (SOS Ras/Rho guanine nucleotide exchange factor 2; minus strand). Cytogenetic location: 14q21.3.
Variant type: single nucleotide variant.
Coding change: c.1554T>A on transcript NM_006939.4 (MANE Select); coding-DNA position 1554, T replaced by A.
Protein change: p.Asp518Glu; replaces aspartic acid 518 with glutamic acid.
Molecular consequence: missense variant.
Genome position (GRCh38, 1-based): chr14:50,159,729, A>T on the plus strand (T>A on the coding strand, the complement: SOS2 is on the minus strand). VCF-style: chr14-50159729-A-T. GRCh37 (hg19) VCF-style: chr14-50626447-A-T.
Other names: c.1455T>A, p.Asp485Glu (NM_001411020.1); short protein forms D485E, D518E.
Identifiers: ClinVar variation 4709539 (VCV004709539.1).